The following is an entry in ClinVar:

ClinVar aggregate classification (germline): Conflicting classifications of pathogenicity. Review status: criteria provided, conflicting classifications (1 of 4 stars). 2 submissions from 2 submitters: Likely pathogenic (1); Uncertain significance (1). Last evaluated 2025-06-04.

Conditions:
Cone-rod dystrophy. Also called: Cone-rod degeneration; Cone/cone-rod dystrophy. Identifiers: Orphanet 1872, MedGen C4085590, MONDO:0015993, HP:0000548.

Submissions (2):

Labcorp Genetics (formerly Invitae), Labcorp
Classification: Uncertain significance. Last evaluated: 2025-06-04. Review status: criteria provided, single submitter. Criteria: Invitae Variant Classification Sherloc (09022015). Collection method: clinical testing. Allele origin: germline.
Comment: This sequence change replaces aspartic acid, which is acidic and polar, with histidine, which is basic and polar, at codon 148 of the GUCA1A protein (p.Asp148His). This variant is not present in population databases (gnomAD no frequency). This variant has not been reported in the literature in individuals affected with GUCA1A-related conditions. ClinVar contains an entry for this variant (Variation ID: 2577517). An algorithm developed to predict the effect of missense changes on protein structure and function (PolyPhen-2) suggests that this variant is likely to be disruptive. In summary, the available evidence is currently insufficient to determine the role of this variant in disease. Therefore, it has been classified as a Variant of Uncertain Significance.

Ophthalmic Genetics Group, Institute of Molecular and Clinical Ophthalmology Basel
Classification: Likely pathogenic for Cone-rod dystrophy. Last evaluated: 2023-07-24. Review status: criteria provided, single submitter. Criteria: ACMG Guidelines, 2015. Collection method: research. Allele origin: germline. Affected: yes. Observed: 1 variant allele.
Comment: Clinical significance based on ACMG v2.0

This variant was classified as Likely pathogenic based on ACMG criteria: PP3, PM2, PM5, PP2.

Literature cited by the submitters: PubMed 36909829 (cited by Ophthalmic Genetics Group, Institute of Molecular and Clinical Ophthalmology Basel).

NM_001384910.1(GUCA1A):c.442G>C (p.Asp148His)

Genes: GUCA1A (guanylate cyclase activator 1A; plus strand), GUCA1ANB-GUCA1A (GUCA1ANB-GUCA1A readthrough; plus strand). Cytogenetic location: 6p21.1.
Variant type: single nucleotide variant.
Coding change: c.442G>C on transcript NM_001384910.1 (MANE Select); coding-DNA position 442, G replaced by C.
Protein change: p.Asp148His; replaces aspartic acid 148 with histidine.
Molecular consequence: missense variant.
Genome position (GRCh38, 1-based): chr6:42,178,892, G>C. VCF-style: chr6-42178892-G-C. GRCh37 (hg19) VCF-style: chr6-42146630-G-C.
Other names: NC_000006.11:g.42146630G>C; NP_001371839.1:p.(Asp148His); c.442G>C, p.Asp148His (NM_000409.5, NM_001319061.2, NM_001319062.2); short protein forms D148H.
Identifiers: ClinVar variation 2577517 (VCV002577517.4), dbSNP rs1768035931, ClinGen allele CA364110039.